The following is an entry in ClinVar:

ClinVar aggregate classification (germline): Uncertain significance (1 of 4 stars; one submission).

Submission:

Labcorp Genetics (formerly Invitae), Labcorp
Classification: Uncertain significance. Last evaluated: 2024-04-29. Review status: criteria provided, single submitter. Criteria: Invitae Variant Classification Sherloc (09022015). Collection method: clinical testing. Allele origin: germline.
Comment: This sequence change replaces isoleucine, which is neutral and non-polar, with methionine, which is neutral and non-polar, at codon 470 of the AP3B2 protein (p.Ile470Met). This variant is not present in population databases (gnomAD no frequency). This variant has not been reported in the literature in individuals affected with AP3B2-related conditions. ClinVar contains an entry for this variant (Variation ID: 1968416). An algorithm developed to predict the effect of missense changes on protein structure and function (PolyPhen-2) suggests that this variant is likely to be disruptive. In summary, the available evidence is currently insufficient to determine the role of this variant in disease. Therefore, it has been classified as a Variant of Uncertain Significance.

NM_001278512.2(AP3B2):c.1410T>G (p.Ile470Met)

Genes: AP3B2 (adaptor related protein complex 3 subunit beta 2; minus strand), CPEB1-AS1 (CPEB1 antisense RNA 1; plus strand). Cytogenetic location: 15q25.2.
Variant type: single nucleotide variant.
Coding change: c.1410T>G on transcript NM_001278512.2 (MANE Select); coding-DNA position 1410, T replaced by G.
Protein change: p.Ile470Met; replaces isoleucine 470 with methionine.
Molecular consequence: missense variant.
Genome position (GRCh38, 1-based): chr15:82,677,352, A>C on the plus strand (T>G on the coding strand, the complement: AP3B2 is on the minus strand). VCF-style: chr15-82677352-A-C. GRCh37 (hg19) VCF-style: chr15-83346104-A-C.
Other names: c.1314T>G, p.Ile438Met (NM_001278511.2); c.1410T>G, p.Ile470Met (NM_004644.5); short protein forms I470M, I438M.
Identifiers: ClinVar variation 1968416 (VCV001968416.5), dbSNP rs2548708106, ClinGen allele CA393316113.